The following is an entry in ClinVar:

ClinVar aggregate classification (germline): Uncertain significance. Review status: criteria provided, multiple submitters, no conflicts (2 of 4 stars). 3 submissions from 3 submitters: Uncertain significance (3). Last evaluated 2022-06-10.

Conditions:
Inborn genetic diseases. Identifiers: MedGen C0950123, MeSH D030342.
Joubert syndrome 17 (JBTS17). Identifiers: Orphanet 475, MedGen C3553264, MONDO:0013824, OMIM 614615.
Orofaciodigital syndrome type 6 (OFD6). Also called: Oral-facial-digital syndrome type 6; Central polydactyly cleft lip/palate or lingual lump and psychomotor retardation; Y-shaped central metacarpal and cerebellar defect; Joubert syndrome with orofacialdigital anomalies; OROFACIODIGITAL SYNDROME VI; OFDS VI. Identifiers: Orphanet 2754, MedGen C2745997, MONDO:0010176, OMIM 277170.

Allele frequency attached by ClinVar (database versions not stated): TOPMed below 0.00001; gnomAD 0.00001; gnomAD exomes 0.00001; ExAC 0.00002; 1000 Genomes Project 0.00020; 1000 Genomes Project 30x 0.00031.
gnomAD v4.1: 15 of 1,612,506 alleles (0.00093%); highest among the groups gnomAD compares: South Asian, 0.0066%; no homozygotes.

Submissions (3):

Ambry Genetics
Classification: Uncertain significance for Inborn genetic diseases. Last evaluated: 2022-06-10. Review status: criteria provided, single submitter. Criteria: Ambry Variant Classification Scheme 2023. Collection method: clinical testing. Allele origin: germline.

Fulgent Genetics
Classification: Uncertain significance for Orofaciodigital syndrome type 6; Joubert syndrome 17. Last evaluated: 2022-04-20. Review status: criteria provided, single submitter. Criteria: ACMG Guidelines, 2015. Collection method: clinical testing. Allele origin: unknown.

Labcorp Genetics (formerly Invitae), Labcorp
Classification: Uncertain significance. Last evaluated: 2021-01-29. Review status: criteria provided, single submitter. Criteria: Invitae Variant Classification Sherloc (09022015). Collection method: clinical testing. Allele origin: germline.
Comment: In summary, the available evidence is currently insufficient to determine the role of this variant in disease. Therefore, it has been classified as a Variant of Uncertain Significance. Advanced modeling of protein sequence and biophysical properties (such as structural, functional, and spatial information, amino acid conservation, physicochemical variation, residue mobility, and thermodynamic stability) performed at Invitae indicates that this missense variant is not expected to disrupt CPLANE1 protein function. This variant has not been reported in the literature in individuals with CPLANE1-related conditions. This variant is present in population databases (rs535480596, ExAC 0.006%). This sequence change replaces aspartic acid with asparagine at codon 2526 of the CPLANE1 protein (p.Asp2526Asn). The aspartic acid residue is moderately conserved and there is a small physicochemical difference between aspartic acid and asparagine.

NM_001384732.1(CPLANE1):c.7576G>A (p.Asp2526Asn)

Gene: CPLANE1 (ciliogenesis and planar polarity effector complex subunit 1; minus strand). Cytogenetic location: 5p13.2.
Variant type: single nucleotide variant.
Coding change: c.7576G>A on transcript NM_001384732.1 (MANE Select); coding-DNA position 7576, G replaced by A.
Protein change: p.Asp2526Asn; replaces aspartic acid 2526 with asparagine.
Molecular consequence: missense variant.
Genome position (GRCh38, 1-based): chr5:37,164,285, C>T on the plus strand (G>A on the coding strand, the complement: CPLANE1 is on the minus strand). VCF-style: chr5-37164285-C-T. GRCh37 (hg19) VCF-style: chr5-37164387-C-T.
Other names: c.7576G>A, p.Asp2526Asn (NM_023073.4); short protein forms D2526N.
Identifiers: ClinVar variation 1424453 (VCV001424453.10), dbSNP rs535480596, ClinGen allele CA3238022.